The following is an entry in ClinVar:

NM_032638.5(GATA2):c.1117T>C (p.Cys373Arg)

Gene: GATA2 (GATA binding protein 2; minus strand). Cytogenetic location: 3q21.3.
Variant type: single nucleotide variant.
Coding change: c.1117T>C on transcript NM_032638.5 (MANE Select); coding-DNA position 1117, T replaced by C.
Protein change: p.Cys373Arg; replaces cysteine 373 with arginine.
Molecular consequence: missense variant.
Genome position (GRCh38, 1-based): chr3:128,481,845, A>G on the plus strand (T>C on the coding strand, the complement: GATA2 is on the minus strand). VCF-style: chr3-128481845-A-G. GRCh37 (hg19) VCF-style: chr3-128200688-A-G.
Other names: c.1117T>C, p.Cys373Arg (NM_001145661.2); c.1075T>C, p.Cys359Arg (NM_001145662.1); short protein forms C373R, C359R.
Identifiers: ClinVar variation 29720 (VCV000029720.6), dbSNP rs387906633, ClinGen allele CA128589.

ClinVar aggregate classification (germline): Pathogenic/Likely pathogenic. Review status: criteria provided, multiple submitters, no conflicts (2 of 4 stars). 5 submissions from 5 submitters: Pathogenic (1); Likely pathogenic (3). 1 of the submissions does not count toward it. Last evaluated 2024-06-04.

Conditions:
Deafness-lymphedema-leukemia syndrome. Also called: Emberger syndrome; Lymphedema, primary, with myelodysplasia. Identifiers: Orphanet 3226, MedGen C3279664, MONDO:0013540, OMIM 614038.
GATA2 deficiency with susceptibility to MDS/AML. Identifiers: MedGen CN300066, MONDO:0042982.
Monocytopenia with susceptibility to infections. Also called: MONOCYTOPENIA AND MYCOBACTERIAL INFECTION SYNDROME; MONOCYTOPENIA WITH SUSCEPTIBILITY TO MYCOBACTERIAL, FUNGAL, AND PAPILLOMAVIRUS INFECTIONS AND MYELODYSPLASIA; COMBINED IMMUNODEFICIENCY WITH SUSCEPTIBILITY TO MYCOBACTERIAL, VIRAL, AND FUNGAL INFECTIONS; GATA2 DEFICIENCY; Dendritic cell, monocyte, B lymphocyte, and natural killer lymphocyte deficiency; IMMUNODEFICIENCY 21. Identifiers: Orphanet 228423, MedGen C3280030, MONDO:0013607, OMIM 614172.

Submissions (5):

GeneDx
Classification: Pathogenic. Last evaluated: 2024-06-04. Review status: criteria provided, single submitter. Criteria: GeneDx Variant Classification Process June 2021. Collection method: clinical testing. Allele origin: germline. Affected: yes.
Comment: In silico analysis supports that this missense variant has a deleterious effect on protein structure/function; Not observed at significant frequency in large population cohorts (gnomAD); This variant is associated with the following publications: (PMID: 21892158, 1714909, 28179282, 21956389, 26214525, 37580379, 28642594, 34387894, 31785092, 33038986, 29906059, 22147895, 35753998, 20803646)

Labcorp Genetics (formerly Invitae), Labcorp
Classification: Likely pathogenic for Monocytopenia with susceptibility to infections; Deafness-lymphedema-leukemia syndrome. Last evaluated: 2024-03-24. Review status: criteria provided, single submitter. Criteria: Invitae Variant Classification Sherloc (09022015). Collection method: clinical testing. Allele origin: germline.
Comment: This sequence change replaces cysteine, which is neutral and slightly polar, with arginine, which is basic and polar, at codon 373 of the GATA2 protein (p.Cys373Arg). This variant is not present in population databases (gnomAD no frequency). This missense change has been observed in individual(s) with Emberger syndrome (PMID: 21892158). ClinVar contains an entry for this variant (Variation ID: 29720). Advanced modeling of protein sequence and biophysical properties (such as structural, functional, and spatial information, amino acid conservation, physicochemical variation, residue mobility, and thermodynamic stability) performed at Invitae indicates that this missense variant is expected to disrupt GATA2 protein function with a positive predictive value of 95%. Experimental studies have shown that this missense change affects GATA2 function (PMID: 21892158, 26214525, 28642594). This variant disrupts the p.Cys373 amino acid residue in GATA2. Other variant(s) that disrupt this residue have been determined to be pathogenic (PMID: 32682923). This suggests that this residue is clinically significant, and that variants that disrupt this residue are likely to be disease-causing. In summary, the currently available evidence indicates that the variant is pathogenic, but additional data are needed to prove that conclusively. Therefore, this variant has been classified as Likely Pathogenic.

Molecular Pathology Research Laboratory, SA Pathology
Classification: Likely pathogenic for GATA2 deficiency with susceptibility to MDS/AML; Deafness-lymphedema-leukemia syndrome. Last evaluated: 2021-07-06. Review status: criteria provided, single submitter. Criteria: ACMG Guidelines, 2015. Collection method: curation. Allele origin: unknown. Inheritance: Autosomal dominant inheritance. Affected: yes. Observed: 1 variant allele.
Comment: PS3_Supporting, PS4_Supporting, PM1, PM2, PM5, PP3

Johns Hopkins Genomics, Johns Hopkins University
Classification: Likely pathogenic. Last evaluated: 2021-07-02. Review status: criteria provided, single submitter. Criteria: ACMG Guidelines, 2015. Collection method: clinical testing. Allele origin: germline.
Comment: GATA2 c.1117T>C has been previously reported in a patient with Emberger syndrome. This GATA2 variant is absent from a large population dataset but has been reported in ClinVar (Variation ID:29720 ). p.Cys373Arg is predicted to alter one of the invariant zinc-coordinating cysteine residues in the second C4 zinc-finger domain of GATA2. In vitro functional studies indicate that p.Cys373Arg impacts the function of GATA2 by altering its interaction with the hematopoietic differentiation factor PU.1 and reducing its transactivation activity and DNA binding affinity. We consider GATA2 c.1117T>C to be likely pathogenic.

OMIM
Classification: Pathogenic for LYMPHEDEMA, PRIMARY, WITH MYELODYSPLASIA. Last evaluated: 2011-09-04. Review status: no assertion criteria provided. Collection method: literature only. Allele origin: germline. Not counted in ClinVar's aggregate classification.

Literature cited by the submitters: PubMed 21892158 (cited by 4 submitters); PubMed 26214525 (cited by Labcorp Genetics (formerly Invitae), Labcorp and Johns Hopkins Genomics, Johns Hopkins University); PubMed 28642594 (cited by Labcorp Genetics (formerly Invitae), Labcorp and Johns Hopkins Genomics, Johns Hopkins University); PubMed 32682923 (cited by Labcorp Genetics (formerly Invitae), Labcorp); PubMed 21956389 (cited by Johns Hopkins Genomics, Johns Hopkins University); PubMed 31785092 (cited by Johns Hopkins Genomics, Johns Hopkins University); PubMed 20803646 (cited by OMIM).